The following is an entry in ClinVar:

ClinVar aggregate classification (germline): Uncertain significance. Review status: criteria provided, multiple submitters, no conflicts (2 of 4 stars). 3 submissions from 3 submitters: Uncertain significance (3). Last evaluated 2025-10-07.

Allele frequency attached by ClinVar (database versions not stated): ExAC 0.00001; gnomAD exomes 0.00001; TOPMed 0.00004; gnomAD 0.00005 and 0.00006.
gnomAD v4.1: 29 of 1,613,900 alleles (0.0018%); highest among the groups gnomAD compares: African/African-American, 0.0093%; no homozygotes.

Submissions (3):

Women's Health and Genetics/Laboratory Corporation of America, LabCorp
Classification: Uncertain significance. Last evaluated: 2025-10-07. Review status: criteria provided, single submitter. Criteria: LabCorp Variant Classification Summary - May 2015. Collection method: clinical testing. Allele origin: germline.
Comment: Variant summary: COL4A2 c.1465G>A (p.Asp489Asn) results in a conservative amino acid change in the encoded protein sequence. Algorithms developed to predict the effect of missense changes on protein structure and function are either unavailable or do not agree on the potential impact of this missense change. The variant allele was found at a frequency of 8e-06 in 249384 control chromosomes. The available data on variant occurrences in the general population are insufficient to allow any conclusion about variant significance. To our knowledge, no occurrence of c.1465G>A in individuals affected with COL4A2-related conditions and no experimental evidence demonstrating its impact on protein function have been reported. ClinVar contains an entry for this variant (Variation ID: 1677045). Based on the evidence outlined above, the variant was classified as uncertain significance.

Blueprint Genetics
Classification: Uncertain significance. Last evaluated: 2024-11-15. Review status: criteria provided, single submitter. Criteria: ACMG Guidelines, 2015. Collection method: clinical testing. Allele origin: germline.

Labcorp Genetics (formerly Invitae), Labcorp
Classification: Uncertain significance. Last evaluated: 2022-04-06. Review status: criteria provided, single submitter. Criteria: Invitae Variant Classification Sherloc (09022015). Collection method: clinical testing. Allele origin: germline.
Comment: In summary, the available evidence is currently insufficient to determine the role of this variant in disease. Therefore, it has been classified as a Variant of Uncertain Significance. Advanced modeling of protein sequence and biophysical properties (such as structural, functional, and spatial information, amino acid conservation, physicochemical variation, residue mobility, and thermodynamic stability) performed at Invitae indicates that this missense variant is not expected to disrupt COL4A2 protein function. This variant has not been reported in the literature in individuals affected with COL4A2-related conditions. This variant is present in population databases (rs777186602, gnomAD 0.004%). This sequence change replaces aspartic acid, which is acidic and polar, with asparagine, which is neutral and polar, at codon 489 of the COL4A2 protein (p.Asp489Asn).

NM_001846.4(COL4A2):c.1465G>A (p.Asp489Asn)

Genes: COL4A2 (collagen type IV alpha 2 chain; plus strand), COL4A2-AS2 (COL4A2 antisense RNA 2; minus strand). Cytogenetic location: 13q34.
Variant type: single nucleotide variant.
Coding change: c.1465G>A on transcript NM_001846.4 (MANE Select); coding-DNA position 1465, G replaced by A.
Protein change: p.Asp489Asn; replaces aspartic acid 489 with asparagine.
Molecular consequence: missense variant.
Genome position (GRCh38, 1-based): chr13:110,458,803, G>A. VCF-style: chr13-110458803-G-A. GRCh37 (hg19) VCF-style: chr13-111111150-G-A.
Other names: short protein forms D489N.
Identifiers: ClinVar variation 1677045 (VCV001677045.8), dbSNP rs777186602, ClinGen allele CA7049603.